The following is an entry in ClinVar:

NM_003482.4(KMT2D):c.13893C>A (p.Pro4631=)

Gene: KMT2D (lysine methyltransferase 2D; minus strand). Cytogenetic location: 12q13.12.
Variant type: single nucleotide variant.
Coding change: c.13893C>A on transcript NM_003482.4 (MANE Select); coding-DNA position 13893, C replaced by A.
Protein change: p.Pro4631=; no amino-acid change (proline 4631 retained).
Molecular consequence: synonymous variant.
Genome position (GRCh38, 1-based): chr12:49,030,386, G>T on the plus strand (C>A on the coding strand, the complement: KMT2D is on the minus strand). VCF-style: chr12-49030386-G-T. GRCh37 (hg19) VCF-style: chr12-49424169-G-T.
Other names: c.13893C>A (NM_003482.3).
Identifiers: ClinVar variation 1556845 (VCV001556845.10), dbSNP rs1942837580, ClinGen allele CA479706672.

ClinVar aggregate classification (germline): Likely benign. Review status: criteria provided, single submitter (1 of 4 stars). 2 submissions from 2 submitters: Likely benign (1). 1 of the submissions does not count toward it. Last evaluated 2024-03-04.

Conditions:
KMT2D-related disorder. Also called: KMT2D-Related Disorders.
Kabuki syndrome. Also called: NIIKAWA-KUROKI SYNDROME; Kabuki make-up syndrome. Identifiers: Orphanet 2322, MedGen C0796004, MONDO:0016512.

Allele frequency attached by ClinVar (database versions not stated): TOPMed below 0.00001.
gnomAD v4.1: 1 of 1,594,624 alleles (0.000063%); no homozygotes.

Submissions (2):

Labcorp Genetics (formerly Invitae), Labcorp
Classification: Likely benign for Kabuki syndrome. Last evaluated: 2024-03-04. Review status: criteria provided, single submitter. Criteria: Invitae Variant Classification Sherloc (09022015). Collection method: clinical testing. Allele origin: germline.

PreventionGenetics, part of Exact Sciences
Classification: Likely benign for KMT2D-related condition. Last evaluated: 2023-01-04. Review status: no assertion criteria provided. Collection method: clinical testing. Allele origin: germline. Not counted in ClinVar's aggregate classification.
Comment: This variant is classified as likely benign based on ACMG/AMP sequence variant interpretation guidelines (Richards et al. 2015 PMID: 25741868, with internal and published modifications).